The following is an entry in ClinVar:

ClinVar aggregate classification (germline): Uncertain significance (1 of 4 stars; one submission).

Allele frequency attached by ClinVar (database versions not stated): ExAC 0.00001; gnomAD 0.00002 and 0.00003; gnomAD exomes 0.00002; TOPMed 0.00003; 1000 Genomes Project 30x 0.00016; 1000 Genomes Project 0.00020.
gnomAD v4.1: 29 of 1,614,176 alleles (0.0018%); highest among the groups gnomAD compares: Admixed American, 0.01%; no homozygotes.

Submission:

Labcorp Genetics (formerly Invitae), Labcorp
Classification: Uncertain significance. Last evaluated: 2025-03-13. Review status: criteria provided, single submitter. Criteria: Invitae Variant Classification Sherloc (09022015). Collection method: clinical testing. Allele origin: germline.
Comment: This sequence change replaces glutamine, which is neutral and polar, with leucine, which is neutral and non-polar, at codon 428 of the SIAE protein (p.Gln428Leu). This variant is present in population databases (rs190144348, gnomAD 0.01%). This variant has not been reported in the literature in individuals affected with SIAE-related conditions. ClinVar contains an entry for this variant (Variation ID: 1424183). An algorithm developed to predict the effect of missense changes on protein structure and function (PolyPhen-2) suggests that this variant is likely to be tolerated. In summary, the available evidence is currently insufficient to determine the role of this variant in disease. Therefore, it has been classified as a Variant of Uncertain Significance.

NM_170601.5(SIAE):c.1283A>T (p.Gln428Leu)

Gene: SIAE (sialic acid acetylesterase; minus strand). Cytogenetic location: 11q24.2.
Variant type: single nucleotide variant.
Coding change: c.1283A>T on transcript NM_170601.5 (MANE Select); coding-DNA position 1283, A replaced by T.
Protein change: p.Gln428Leu; replaces glutamine 428 with leucine.
Molecular consequence: missense variant.
Genome position (GRCh38, 1-based): chr11:124,638,579, T>A on the plus strand (A>T on the coding strand, the complement: SIAE is on the minus strand). VCF-style: chr11-124638579-T-A. GRCh37 (hg19) VCF-style: chr11-124508475-T-A.
Other names: c.1178A>T, p.Gln393Leu (NM_001199922.2); short protein forms Q393L, Q428L.
Identifiers: ClinVar variation 1424183 (VCV001424183.6), dbSNP rs190144348, ClinGen allele CA6341240.